The following is an entry in ClinVar:

ClinVar aggregate classification (germline): Uncertain significance. Review status: criteria provided, multiple submitters, no conflicts (2 of 4 stars). 2 submissions from 2 submitters: Uncertain significance (2). Last evaluated 2025-03-23.

Conditions:
NTRK2-related disorder. Also called: NTRK2-related condition.

Allele frequency attached by ClinVar (database versions not stated): ExAC 0.00001; gnomAD 0.00001 and 0.00003; gnomAD exomes 0.00001; TOPMed 0.00001.
gnomAD v4.1: 18 of 1,613,428 alleles (0.0011%); highest among the groups gnomAD compares: Middle Eastern, 0.017%; no homozygotes.

Submissions (2):

PreventionGenetics, part of Exact Sciences
Classification: Uncertain significance for NTRK2-related condition. Last evaluated: 2025-03-23. Review status: criteria provided, single submitter. Criteria: ACMG Guidelines, 2015. Collection method: clinical testing. Allele origin: germline.
Comment: The NTRK2 c.1211C>T variant is predicted to result in the amino acid substitution p.Ala404Val. To our knowledge, this variant has not been reported in the literature. This variant is reported in 0.0023% of alleles in individuals of European (Non-Finnish) descent in gnomAD. At this time, the clinical significance of this variant is uncertain due to the absence of conclusive functional and genetic evidence.

Labcorp Genetics (formerly Invitae), Labcorp
Classification: Uncertain significance. Last evaluated: 2023-12-13. Review status: criteria provided, single submitter. Criteria: Invitae Variant Classification Sherloc (09022015). Collection method: clinical testing. Allele origin: germline.
Comment: This sequence change replaces alanine, which is neutral and non-polar, with valine, which is neutral and non-polar, at codon 404 of the NTRK2 protein (p.Ala404Val). This variant is present in population databases (rs556985581, gnomAD 0.002%). This variant has not been reported in the literature in individuals affected with NTRK2-related conditions. ClinVar contains an entry for this variant (Variation ID: 1430447). An algorithm developed to predict the effect of missense changes on protein structure and function (PolyPhen-2) suggests that this variant is likely to be tolerated. In summary, the available evidence is currently insufficient to determine the role of this variant in disease. Therefore, it has been classified as a Variant of Uncertain Significance.

NM_006180.6(NTRK2):c.1211C>T (p.Ala404Val)

Gene: NTRK2 (neurotrophic receptor tyrosine kinase 2; plus strand). Cytogenetic location: 9q21.33.
Variant type: single nucleotide variant.
Coding change: c.1211C>T on transcript NM_006180.6 (MANE Select); coding-DNA position 1211, C replaced by T.
Protein change: p.Ala404Val; replaces alanine 404 with valine.
Molecular consequence: missense variant.
Genome position (GRCh38, 1-based): chr9:84,744,988, C>T. VCF-style: chr9-84744988-C-T. GRCh37 (hg19) VCF-style: chr9-87359903-C-T.
Other names: c.1211C>T, p.Ala404Val (NM_001007097.3, NM_001018064.3, NM_001018065.2 and 15 more transcripts); c.1172C>T, p.Ala391Val (NM_001291937.2, NM_001369546.1); c.1175C>T, p.Ala392Val (NM_001369534.1); c.743C>T, p.Ala248Val (NM_001369535.1, NM_001369536.1, NM_001369550.1 and 2 more transcripts); c.1211C>T (NM_006180.4); short protein forms A404V, A248V, A391V, A392V.
Identifiers: ClinVar variation 1430447 (VCV001430447.10), dbSNP rs556985581, ClinGen allele CA5105675.